The following is an entry in ClinVar:

NM_001267550.2(TTN):c.90306_90307del (p.Arg30102fs)

Genes: TTN-AS1 (TTN antisense RNA 1; plus strand), TTN (titin; minus strand). Cytogenetic location: 2q31.2.
Variant type: Microsatellite.
Coding change: c.90306_90307del on transcript NM_001267550.2 (MANE Select); coding-DNA positions 90306 to 90307, 2 bases deleted (AG; older notation c.90306_90307delAG).
Protein change: p.Arg30102fs; shifts the reading frame from arginine 30102.
Molecular consequence: frameshift variant.
Genome position (GRCh38, 1-based): chr2:178,552,593-178,552,594, CT deleted on the plus strand (AG on the coding strand, the reverse complement: TTN is on the minus strand); deleting any 2 consecutive bases within chr2:178,552,593-178,552,596 gives the same sequence; the c. name uses the placement nearest the transcript's 3' end. VCF-style (leftmost placement, unchanged base first): chr2-178552592-ACT-A. GRCh37 (hg19) VCF-style: chr2-179417319-ACT-A.
Other names: c.85383_85384del, p.Arg28461fs (NM_001256850.1); c.63111_63112del, p.Arg21037fs (NM_003319.4); c.82602_82603del, p.Arg27534fs (NM_133378.4); c.63486_63487del, p.Arg21162fs (NM_133432.3); c.63687_63688del, p.Arg21229fs (NM_133437.4); short protein forms R21037fs, R21162fs, R21229fs, R27534fs, R28461fs, R30102fs.
Identifiers: ClinVar variation 1067791 (VCV001067791.9), dbSNP rs2154151379, ClinGen allele CA2580614458.

ClinVar aggregate classification (germline): Likely pathogenic (1 of 4 stars; one submission).

Conditions:
Dilated cardiomyopathy 1G (CMD1G). Identifiers: Orphanet 154, MedGen C1858763, MONDO:0011400, OMIM 604145.
Autosomal recessive limb-girdle muscular dystrophy type 2J (LGMDR10). Also called: Limb-girdle muscular dystrophy, type 2J; MUSCULAR DYSTROPHY, LIMB-GIRDLE, AUTOSOMAL RECESSIVE 10. Identifiers: Orphanet 140922, MedGen C1837342, MONDO:0012127, OMIM 608807.

Submission:

Labcorp Genetics (formerly Invitae), Labcorp
Classification: Likely pathogenic for Dilated cardiomyopathy 1G; Autosomal recessive limb-girdle muscular dystrophy type 2J. Last evaluated: 2023-12-30. Review status: criteria provided, single submitter. Criteria: Invitae Variant Classification Sherloc (09022015). Collection method: clinical testing. Allele origin: germline.
Comment: This sequence change creates a premature translational stop signal (p.Arg30102Serfs*6) in the TTN gene. While this is not anticipated to result in nonsense mediated decay, it is expected to create a truncated TTN protein. This variant is not present in population databases (gnomAD no frequency). This variant has not been reported in the literature in individuals affected with TTN-related conditions. ClinVar contains an entry for this variant (Variation ID: 1067791). This variant is located in the A band of TTN (PMID: 25589632). Truncating variants in this region are significantly overrepresented in patients affected with dilated cardiomyopathy (PMID: 25589632). Truncating variants in this region have also been reported in individuals affected with autosomal recessive centronuclear myopathy (PMID: 23975875). In summary, the currently available evidence indicates that the variant is pathogenic, but additional data are needed to prove that conclusively. Therefore, this variant has been classified as Likely Pathogenic.

Literature cited by the submitters: PubMed 25589632; PubMed 23975875.